The following is an entry in ClinVar:

ClinVar aggregate classification (germline): Likely benign (0 of 4 stars; one submission).

Conditions:
SLX4-related disorder. Also called: SLX4-related condition.

Allele frequency attached by ClinVar (database versions not stated): gnomAD exomes below 0.00001; ExAC 0.00001.
gnomAD v4.1: 2 of 1,613,988 alleles (0.00012%); highest among the groups gnomAD compares: Non-Finnish European, 0.00017%; no homozygotes.

Submission:

PreventionGenetics, part of Exact Sciences
Classification: Likely benign for SLX4-related condition. Last evaluated: 2021-10-08. Review status: no assertion criteria provided. Collection method: clinical testing. Allele origin: germline.
Comment: This variant is classified as likely benign based on ACMG/AMP sequence variant interpretation guidelines (Richards et al. 2015 PMID: 25741868, with internal and published modifications).

NM_032444.4(SLX4):c.4636+7A>G

Gene: SLX4 (SLX4 structure-specific endonuclease subunit; minus strand). Cytogenetic location: 16p13.3.
Variant type: single nucleotide variant.
Coding change: c.4636+7A>G on transcript NM_032444.4 (MANE Select); 7 bases into the intron after coding-DNA position 4636, A replaced by G.
Molecular consequence: intron variant.
Genome position (GRCh38, 1-based): chr16:3,588,995, T>C on the plus strand (A>G on the coding strand, the complement: SLX4 is on the minus strand). VCF-style: chr16-3588995-T-C. GRCh37 (hg19) VCF-style: chr16-3638996-T-C.
Identifiers: ClinVar variation 3029124 (VCV003029124.2), dbSNP rs748380539, ClinGen allele CA7865580.